The following is an entry in ClinVar:

ClinVar aggregate classification (germline): Uncertain significance. Review status: criteria provided, multiple submitters, no conflicts (2 of 4 stars). 2 submissions from 2 submitters: Uncertain significance (2). Last evaluated 2025-03-11.

Conditions:
Inborn genetic diseases. Identifiers: MedGen C0950123, MeSH D030342.

Submissions (2):

Dasa
Classification: Uncertain significance. Last evaluated: 2025-03-11. Review status: criteria provided, single submitter. Criteria: DASA Assertion Criteria. Collection method: clinical testing. Allele origin: germline.
Comment: NM_001353345.2(SETD1B):c.4226_4228del (p.Ser1409del) is an in-frame deletion predicted to remove serine at protein position 1409 without shifting the reading frame. This variant is rare in population databases. The currently available literature and clinical evidence are not sufficient to establish a definitive association between this variant and the reported condition. Therefore, this variant is classified as a variant of uncertain significance.

Ambry Genetics
Classification: Uncertain significance for Inborn genetic diseases. Last evaluated: 2022-11-02. Review status: criteria provided, single submitter. Criteria: Ambry Variant Classification Scheme 2023. Collection method: clinical testing. Allele origin: germline.
Comment: The c.4097_4099delCCT (p.S1366del) alteration is located in exon 12 (coding exon 12) of the SETD1B gene. This alteration consists of an in-frame deletion of 3 nucleotides between nucleotide positions c.4097 and c.4099, resulting in the deletion of 1 residue. Based on insufficient or conflicting evidence, the clinical significance of this alteration remains unclear.

NM_001353345.2(SETD1B):c.4226_4228del (p.Ser1409del)

Gene: SETD1B (SET domain containing 1B, histone lysine methyltransferase; plus strand). Cytogenetic location: 12q24.31.
Variant type: Deletion.
Coding change: c.4226_4228del on transcript NM_001353345.2 (MANE Select); coding-DNA positions 4226 to 4228, 3 bases deleted (CCT; older notation c.4226_4228delCCT).
Protein change: p.Ser1409del; deletes serine 1409.
Molecular consequence: inframe deletion.
Genome position (GRCh38, 1-based): chr12:121,822,805-121,822,807, CCT deleted; deleting any 3 consecutive bases within chr12:121,822,803-121,822,807 gives the same sequence; the c. name uses the placement nearest the transcript's 3' end. VCF-style (leftmost placement, unchanged base first): chr12-121822802-TCTC-T. GRCh37 (hg19) VCF-style: chr12-122260708-TCTC-T.
Other names: NM_015048.1:c.4097_4099delCCT; short protein forms S1409del.
Identifiers: ClinVar variation 2398985 (VCV002398985.4), dbSNP rs1446173237, ClinGen allele CA608061486.